The following is an entry in ClinVar:

NM_004565.3(PEX14):c.85-8C>T

Gene: PEX14 (peroxisomal biogenesis factor 14; plus strand). Cytogenetic location: 1p36.22.
Variant type: single nucleotide variant.
Coding change: c.85-8C>T on transcript NM_004565.3 (MANE Select); 8 bases into the intron before coding-DNA position 85, C replaced by T.
Molecular consequence: intron variant.
Genome position (GRCh38, 1-based): chr1:10,536,205, C>T. VCF-style: chr1-10536205-C-T. GRCh37 (hg19) VCF-style: chr1-10596262-C-T.
Other names: c.85-8C>T (NM_004565.2).
Identifiers: ClinVar variation 1556127 (VCV001556127.9), dbSNP rs778964302, ClinGen allele CA583710.
Genomic context (GRCh38, chr1:10,536,205, plus strand): 5'-GGATTTTTAATCTTGAAATTCAGACTATTGAAGTGAAGTTTACTCCTCTATTTTCTCTCT[C>T]TCACCAGATTGCCACGGCAGTGAAGTTTCTACAGAATTCCCGGGTCCGCCAGAGCCCACT-3'

ClinVar aggregate classification (germline): Likely benign. Review status: criteria provided, multiple submitters, no conflicts (2 of 4 stars). 2 submissions from 2 submitters: Likely benign (2). Last evaluated 2025-09-17.

Conditions:
PEX14-related disorder. Also called: PEX14-related condition.
Peroxisome biogenesis disorder, complementation group K (CGK). Identifiers: MedGen C1866257, MONDO:0800365.

Allele frequency attached by ClinVar (database versions not stated): gnomAD exomes below 0.00001 and 0.00001; ExAC 0.00001; gnomAD 0.00002; TOPMed 0.00002.
gnomAD v4.1: 6 of 1,583,830 alleles (0.00038%); highest among the groups gnomAD compares: African/African-American, 0.0067%; no homozygotes.

Submissions (2):

PreventionGenetics, part of Exact Sciences
Classification: Likely benign for PEX14-related condition. Last evaluated: 2025-09-17. Review status: criteria provided, single submitter. Criteria: ACMG Guidelines, 2015. Collection method: clinical testing. Allele origin: germline.
Comment: This variant is classified as likely benign based on ACMG/AMP sequence variant interpretation guidelines (Richards et al. 2015 PMID: 25741868, with internal and published modifications).

Labcorp Genetics (formerly Invitae), Labcorp
Classification: Likely benign for Peroxisome biogenesis disorder, complementation group K. Last evaluated: 2025-02-09. Review status: criteria provided, single submitter. Criteria: Invitae Variant Classification Sherloc (09022015). Collection method: clinical testing. Allele origin: germline.